The following is an entry in ClinVar:

NM_001040108.2(MLH3):c.1504G>A (p.Gly502Arg)

Gene: MLH3 (mutL homolog 3; minus strand). Cytogenetic location: 14q24.3.
Variant type: single nucleotide variant.
Coding change: c.1504G>A on transcript NM_001040108.2 (MANE Select); coding-DNA position 1504, G replaced by A.
Protein change: p.Gly502Arg; replaces glycine 502 with arginine.
Molecular consequence: missense variant.
Genome position (GRCh38, 1-based): chr14:75,048,152, C>T on the plus strand (G>A on the coding strand, the complement: MLH3 is on the minus strand). VCF-style: chr14-75048152-C-T. GRCh37 (hg19) VCF-style: chr14-75514855-C-T.
Other names: c.1504G>A, p.Gly502Arg (NM_014381.3); short protein forms G502R.
Identifiers: ClinVar variation 3396706 (VCV003396706.1).

ClinVar aggregate classification (germline): Uncertain significance (1 of 4 stars; one submission).

Submission:

Ambry Genetics
Classification: Uncertain significance. Last evaluated: 2024-09-04. Review status: criteria provided, single submitter. Criteria: Ambry Variant Classification Scheme 2023. Collection method: clinical testing. Allele origin: germline.
Comment: The p.G502R variant (also known as c.1504G>A), located in coding exon 1 of the MLH3 gene, results from a G to A substitution at nucleotide position 1504. The glycine at codon 502 is replaced by arginine, an amino acid with dissimilar properties. This amino acid position is conserved. In addition, this alteration is predicted to be tolerated by in silico analysis. Based on the available evidence, the clinical significance of this variant remains unclear.